The following is an entry in ClinVar:

ClinVar aggregate classification (germline): Uncertain significance. Review status: criteria provided, multiple submitters, no conflicts (2 of 4 stars). 3 submissions from 3 submitters: Uncertain significance (3). Last evaluated 2023-03-07.

Conditions:
Cardiovascular phenotype. Identifiers: MedGen CN230736.
Dilated cardiomyopathy 1JJ (CMD1JJ). Identifiers: Orphanet 154, MedGen C3808935, MONDO:0014095, OMIM 615235.
Hypertrophic cardiomyopathy 1 (CMH1). Also called: MYH7-Related Familial Hypertrophic Cardiomyopathy; Familial hypertrophic cardiomyopathy 1. Identifiers: MedGen C3495498, MONDO:0008647, OMIM 192600.

Allele frequency attached by ClinVar (database versions not stated): gnomAD 0.00001; gnomAD exomes 0.00001 and 0.00002; ExAC 0.00003; 1000 Genomes Project 30x 0.00016; 1000 Genomes Project 0.00020.
gnomAD v4.1: 9 of 1,602,392 alleles (0.00056%); highest among the groups gnomAD compares: South Asian, 0.009%; no homozygotes.

Submissions (3):

Ambry Genetics
Classification: Uncertain significance for Cardiovascular phenotype. Last evaluated: 2023-03-07. Review status: criteria provided, single submitter. Criteria: Ambry Variant Classification Scheme 2023. Collection method: clinical testing. Allele origin: germline.

Agnes Ginges Centre for Molecular Cardiology, Centenary Institute
Classification: Uncertain significance for Hypertrophic cardiomyopathy 1. Last evaluated: 2017-03-16. Review status: criteria provided, single submitter. Criteria: Agnes Ginges Centre for Molecular Cardiology criteria (2015). Collection method: research. Allele origin: germline. Inheritance: Autosomal dominant inheritance. Affected: yes.
Comment: The LAMA4 Asp35Glu is a rare variant, being present in the Exome Aggregation Consortium dataset at a low frequency (MAF=0.000035). Computational tools SIFT, MutationTaster, and PolyPhen-2 predict this variant to have a deleterious effect. Although variants in LAMA4 has been associated with DCM, there is no evidence to support its role in HCM. In summary, based on limited evidence in the literature and our limited familial data, we classify LAMA4 Asp35Glu as a variant of "uncertain significance".

Neuberg Centre For Genomic Medicine, NCGM
Classification: Uncertain significance for Dilated cardiomyopathy 1JJ. Review status: criteria provided, single submitter. Criteria: ACMG Guidelines, 2015. Collection method: clinical testing. Allele origin: germline. Inheritance: Autosomal dominant inheritance. Affected: yes.
Comment: The missense variant c.105C>G (p.Asp35Glu) in LAMA4 gene has not been reported previously as a pathogenic variant nor as a benign variant, to our knowledge. The p.Asp35Glu variant has allele frequency 0.001% in gnomAD exomes and 1000 Genomes. This variant has been reported to the ClinVar database as Uncertain Significance. The amino acid Asp at position 35 is changed to a Glu changing protein sequence and it might alter its composition and physico-chemical properties. The p.D35E missense variant is predicted to be damaging by SIFT and PolyPhen2. For these reasons, this variant has been classified as Uncertain Significance (VUS).

NM_001105206.3(LAMA4):c.105C>G (p.Asp35Glu)

Genes: LAMA4 (laminin subunit alpha 4; minus strand), LAMA4-AS1 (LAMA4 antisense RNA 1; plus strand). Cytogenetic location: 6q21.
Variant type: single nucleotide variant.
Coding change: c.105C>G on transcript NM_001105206.3 (MANE Select); coding-DNA position 105, C replaced by G.
Protein change: p.Asp35Glu; replaces aspartic acid 35 with glutamic acid.
Molecular consequence: missense variant.
Genome position (GRCh38, 1-based): chr6:112,254,046, G>C on the plus strand (C>G on the coding strand, the complement: LAMA4 is on the minus strand). VCF-style: chr6-112254046-G-C. GRCh37 (hg19) VCF-style: chr6-112575248-G-C.
Other names: c.105C>G (NM_002290.3); c.105C>G, p.Asp35Glu (NM_001105207.3, NM_001105208.3, NM_001105209.3 and 1 more transcripts); short protein forms D35E.
Identifiers: ClinVar variation 492988 (VCV000492988.4), dbSNP rs572035776, ClinGen allele CA3966336.